The following is an entry in ClinVar:

NM_002828.4(PTPN2):c.784C>G (p.Pro262Ala)

Gene: PTPN2 (protein tyrosine phosphatase non-receptor type 2; minus strand). Cytogenetic location: 18p11.21.
Variant type: single nucleotide variant.
Coding change: c.784C>G on transcript NM_002828.4 (MANE Select); coding-DNA position 784, C replaced by G.
Protein change: p.Pro262Ala; replaces proline 262 with alanine.
Molecular consequence: missense variant.
Genome position (GRCh38, 1-based): chr18:12,814,277, G>C on the plus strand (C>G on the coding strand, the complement: PTPN2 is on the minus strand). VCF-style: chr18-12814277-G-C. GRCh37 (hg19) VCF-style: chr18-12814276-G-C.
Other names: c.853C>G, p.Pro285Ala (NM_001207013.2); c.697C>G, p.Pro233Ala (NM_001308287.1); c.784C>G, p.Pro262Ala (NM_080422.3, NM_080423.3); short protein forms P233A, P285A, P262A.
Identifiers: ClinVar variation 5008166 (VCV005008166.1).

ClinVar aggregate classification (germline): Uncertain significance (1 of 4 stars; one submission).

gnomAD v4.1: 2 of 1,607,308 alleles (0.00012%); highest among the groups gnomAD compares: Non-Finnish European, 0.00017%; no homozygotes.

Submission:

GeneDx
Classification: Uncertain significance. Last evaluated: 2026-03-01. Review status: criteria provided, single submitter. Criteria: GeneDx Variant Classification Process June 2021. Collection method: clinical testing. Allele origin: germline.
Comment: Not observed at significant frequency in large population cohorts (gnomAD); In silico analysis supports that this missense variant has a deleterious effect on protein structure/function; Has not been previously published as pathogenic or benign to our knowledge